The following is an entry in ClinVar:

ClinVar aggregate classification (germline): Pathogenic (1 of 4 stars; one submission).

Conditions:
Familial thoracic aortic aneurysm and aortic dissection (TAAD). Also called: Thoracic aortic aneurysms and dissections. Identifiers: Orphanet 91387, MedGen C4707243, MONDO:0019625.

Submission:

Ambry Genetics
Classification: Pathogenic for Familial thoracic aortic aneurysm and aortic dissection. Last evaluated: 2025-06-16. Review status: criteria provided, single submitter. Criteria: Ambry Variant Classification Scheme 2023. Collection method: clinical testing. Allele origin: germline.
Comment: The p.K1621* pathogenic mutation (also known as c.4861A>T), located in coding exon 39 of the FBN1 gene, results from an A to T substitution at nucleotide position 4861. This changes the amino acid from a lysine to a stop codon within coding exon 39. This variant is considered to be rare based on population cohorts in the Genome Aggregation Database (gnomAD). This alteration is expected to result in loss of function by premature protein truncation or nonsense-mediated mRNA decay. As such, this alteration is interpreted as a disease-causing mutation.

NM_000138.5(FBN1):c.4861A>T (p.Lys1621Ter)

Gene: FBN1 (fibrillin 1; minus strand). Cytogenetic location: 15q21.1.
Variant type: single nucleotide variant.
Coding change: c.4861A>T on transcript NM_000138.5 (MANE Select); coding-DNA position 4861, A replaced by T.
Protein change: p.Lys1621Ter; replaces lysine 1621 with a stop codon.
Molecular consequence: nonsense.
Genome position (GRCh38, 1-based): chr15:48,465,649, T>A on the plus strand (A>T on the coding strand, the complement: FBN1 is on the minus strand). VCF-style: chr15-48465649-T-A. GRCh37 (hg19) VCF-style: chr15-48757846-T-A.
Other names: c.4861A>T, p.Lys1621Ter (NM_001406716.1); short protein forms K1621*.
Identifiers: ClinVar variation 4255451 (VCV004255451.1).
Genomic context (GRCh38, chr15:48,465,649, plus strand): 5'-CATTCAGGTAGTAGCCGGTTGGACAGCGGCACTGGAAACTCCCAAAGGTGTTGATACATT[T>A]TCCTCCTTGGCACAGCCCTGGTAGCTCCTGGCACTCATCAATATCTATCAAAATCAAAAC-3'